The following is an entry in ClinVar:

ClinVar aggregate classification (germline): Uncertain significance (1 of 4 stars; one submission).

Conditions:
Familial thoracic aortic aneurysm and aortic dissection (TAAD). Also called: Thoracic aortic aneurysms and dissections. Identifiers: Orphanet 91387, MedGen C4707243, MONDO:0019625.
Hereditary cancer-predisposing syndrome. Also called: Neoplastic Syndromes, Hereditary; Tumor predisposition; Hereditary neoplastic syndrome; Hereditary Cancer Syndrome. Identifiers: Orphanet 140162, MedGen C0027672, MeSH D009386, MONDO:0015356.

Submission:

Ambry Genetics
Classification: Uncertain significance for Hereditary cancer-predisposing syndrome; Familial thoracic aortic aneurysm and aortic dissection. Last evaluated: 2026-07-01. Review status: criteria provided, single submitter. Criteria: Ambry Variant Classification Scheme 2023. Collection method: clinical testing. Allele origin: germline.
Comment: The p.M156V variant (also known as c.466A>G), located in coding exon 4 of the SMAD4 gene, results from an A to G substitution at nucleotide position 466. The methionine at codon 156 is replaced by valine, an amino acid with highly similar properties. This amino acid position is conserved. In addition, the in silico prediction for this alteration is inconclusive. Based on the available evidence, the clinical significance of this variant remains unclear.

NM_005359.6(SMAD4):c.466A>G (p.Met156Val)

Gene: SMAD4 (SMAD family member 4; plus strand). Cytogenetic location: 18q21.2.
Variant type: single nucleotide variant.
Coding change: c.466A>G on transcript NM_005359.6 (MANE Select); coding-DNA position 466, A replaced by G.
Protein change: p.Met156Val; replaces methionine 156 with valine.
Molecular consequence: missense variant. On other transcripts: non-coding transcript variant (2).
Genome position (GRCh38, 1-based): chr18:51,054,792, A>G. VCF-style: chr18-51054792-A-G. GRCh37 (hg19) VCF-style: chr18-48581162-A-G.
Other names: c.466A>G, p.Met156Val (NM_001407041.1, NM_001407042.1, NM_001407043.1); short protein forms M156V.
Identifiers: ClinVar variation 5029725 (VCV005029725.1).